The following is an entry in ClinVar:

NM_024334.3(TMEM43):c.909C>T (p.Ser303=)

Gene: TMEM43 (transmembrane protein 43; plus strand). Cytogenetic location: 3p25.1.
Variant type: single nucleotide variant.
Coding change: c.909C>T on transcript NM_024334.3 (MANE Select); coding-DNA position 909, C replaced by T.
Protein change: p.Ser303=; no amino-acid change (serine 303 retained).
Molecular consequence: synonymous variant.
Genome position (GRCh38, 1-based): chr3:14,139,206, C>T. VCF-style: chr3-14139206-C-T. GRCh37 (hg19) VCF-style: chr3-14180706-C-T.
Other names: p.Ser303=.
Identifiers: ClinVar variation 46154 (VCV000046154.49), dbSNP rs35100587, ClinGen allele CA024796.

ClinVar aggregate classification (germline): Benign. Review status: criteria provided, multiple submitters, no conflicts (2 of 4 stars). 17 submissions from 17 submitters: Benign (13). 4 of the submissions do not count toward it. Last evaluated 2026-02-04.

Conditions:
Cardiovascular phenotype. Identifiers: MedGen CN230736.
Cardiomyopathy (CMYO). Also called: Cardiomyopathies. Identifiers: Orphanet 167848, MedGen C0878544, MONDO:0004994, HP:0001638. Inheritance: Various modes of inheritance.
Arrhythmogenic right ventricular dysplasia 5. Also called: Arrhythmogenic Right Ventricular Dysplasia/Cardiomyopathy 5; ARRHYTHMOGENIC RIGHT VENTRICULAR DYSPLASIA, FAMILIAL, 5. Identifiers: MedGen C1858379, MONDO:0011459, OMIM 604400.

Allele frequency attached by ClinVar (database versions not stated): gnomAD exomes 0.01844 and 0.01997; ExAC 0.01996; gnomAD 0.02012 and 0.02038; TOPMed 0.02056; ESP Exome Variant Server 0.02130; 1000 Genomes Project 0.02137; 1000 Genomes Project 30x 0.02280.
gnomAD v4.1: 32,248 of 1,613,800 alleles (2%); highest among the groups gnomAD compares: Middle Eastern, 3.5%; 430 homozygotes.

Submissions (17):

Labcorp Genetics (formerly Invitae), Labcorp
Classification: Benign for Arrhythmogenic right ventricular dysplasia 5. Last evaluated: 2026-02-04. Review status: criteria provided, single submitter. Criteria: Invitae Variant Classification Sherloc (09022015). Collection method: clinical testing. Allele origin: germline.

Molecular Diagnostic Laboratory for Inherited Cardiovascular Disease, Montreal Heart Institute
Classification: Benign. Last evaluated: 2025-04-09. Review status: criteria provided, single submitter. Criteria: ACMG Guidelines, 2015. Collection method: clinical testing. Allele origin: germline. Affected: no.

ARUP Laboratories, Molecular Genetics and Genomics, ARUP Laboratories
Classification: Benign. Last evaluated: 2025-03-25. Review status: criteria provided, single submitter. Criteria: ARUP Molecular Germline Variant Investigation Process 2024. Collection method: clinical testing. Allele origin: germline.

Blueprint Genetics
Classification: Benign. Last evaluated: 2024-11-26. Review status: criteria provided, single submitter. Criteria: ACMG Guidelines, 2015. Collection method: clinical testing. Allele origin: germline.

All of Us Research Program, National Institutes of Health
Classification: Benign for Arrhythmogenic right ventricular dysplasia 5. Last evaluated: 2024-02-05. Review status: criteria provided, single submitter. Criteria: ACMG Guidelines, 2015. Collection method: clinical testing. Allele origin: germline. Inheritance: Autosomal dominant inheritance. Observed: 4,148 variant alleles, 4,105 heterozygotes, 43 homozygotes.
Comment: This study involves interpretation of variants in research participants for the purpose of population health screening. Participant phenotype was not available at the time of variant classification. Additional details can be found in publication PMID: 35346344, PMCID: PMC8962531

CHEO Genetics Diagnostic Laboratory, Children's Hospital of Eastern Ontario
Classification: Benign for Cardiomyopathy. Last evaluated: 2021-11-18. Review status: criteria provided, single submitter. Criteria: ACMG Guidelines, 2015. Collection method: clinical testing. Allele origin: germline.

Color Diagnostics, LLC DBA Color Health
Classification: Benign for Cardiomyopathy. Last evaluated: 2018-03-15. Review status: criteria provided, single submitter. Criteria: ACMG Guidelines, 2015. Collection method: clinical testing. Allele origin: germline.

Mayo Clinic Laboratories, Mayo Clinic
Classification: Benign. Last evaluated: 2018-02-02. Review status: criteria provided, single submitter. Criteria: ACMG Guidelines, 2015. Collection method: clinical testing. Allele origin: germline. Observed: 87 variant alleles.

Ambry Genetics
Classification: Benign for Cardiovascular phenotype. Last evaluated: 2015-06-29. Review status: criteria provided, single submitter. Criteria: Ambry Variant Classification Scheme 2023. Collection method: clinical testing. Allele origin: germline.

GeneDx
Classification: Benign. Last evaluated: 2015-03-03. Review status: criteria provided, single submitter. Criteria: GeneDx Variant Classification Process June 2021. Collection method: clinical testing. Allele origin: germline. Affected: yes.

Genetic Services Laboratory, University of Chicago
Classification: Benign for AllHighlyPenetrant. Last evaluated: 2013-08-15. Review status: criteria provided, single submitter. Criteria: ACMG Guidelines, 2007. Collection method: clinical testing. Allele origin: germline. Inheritance: Autosomal dominant inheritance.

Laboratory for Molecular Medicine, Mass General Brigham Personalized Medicine
Classification: Benign. Last evaluated: 2009-02-12. Review status: criteria provided, single submitter. Criteria: LMM Criteria. Collection method: clinical testing. Allele origin: germline. Observed: 93 variant alleles.

Breakthrough Genomics
Classification: Benign. Review status: criteria provided, single submitter. Criteria: ACMG Guidelines, 2015. Collection method: not provided. Allele origin: germline. Inheritance: Autosomal dominant inheritance. Affected: yes.

Clinical Genetics DNA and cytogenetics Diagnostics Lab, Erasmus MC, Erasmus Medical Center
Classification: Benign. Review status: no assertion criteria provided. Collection method: clinical testing. Allele origin: germline. Affected: yes. Study: VKGL Data-share Consensus. Not counted in ClinVar's aggregate classification.

Clinical Genetics, Academic Medical Center
Classification: Benign. Review status: no assertion criteria provided. Collection method: clinical testing. Allele origin: germline. Affected: yes. Study: VKGL Data-share Consensus. Not counted in ClinVar's aggregate classification.

Genome Diagnostics Laboratory, University Medical Center Utrecht
Classification: Benign. Review status: no assertion criteria provided. Collection method: clinical testing. Allele origin: germline. Affected: yes. Study: VKGL Data-share Consensus. Not counted in ClinVar's aggregate classification.

Joint Genome Diagnostic Labs from Nijmegen and Maastricht, Radboudumc and MUMC+
Classification: Benign. Review status: no assertion criteria provided. Collection method: clinical testing. Allele origin: germline. Affected: yes. Study: VKGL Data-share Consensus. Not counted in ClinVar's aggregate classification.